The following is an entry in ClinVar:

NM_153704.6(TMEM67):c.683_689del (p.Lys228fs)

Gene: TMEM67 (transmembrane protein 67; plus strand). Cytogenetic location: 8q22.1.
Variant type: Deletion.
Coding change: c.683_689del on transcript NM_153704.6 (MANE Select); coding-DNA positions 683 to 689, 7 bases deleted (AGTATTT; older notation c.683_689delAGTATTT).
Protein change: p.Lys228fs; shifts the reading frame from lysine 228.
Molecular consequence: frameshift variant. On other transcripts: non-coding transcript variant (1).
Genome position (GRCh38, 1-based): chr8:93,772,620-93,772,626, AGTATTT deleted. VCF-style (leftmost placement, unchanged base first): chr8-93772619-AAGTATTT-A. GRCh37 (hg19) VCF-style: chr8-94784847-AAGTATTT-A.
Other names: c.440_446del, p.Lys147fs (NM_001142301.1); short protein forms K228fs, K147fs.
Identifiers: ClinVar variation 1377709 (VCV001377709.6), dbSNP rs2130622403, ClinGen allele CA2573143461.

ClinVar aggregate classification (germline): Pathogenic (1 of 4 stars; one submission).

Conditions:
Joubert syndrome. Also called: CEREBELLOPARENCHYMAL DISORDER IV; JOUBERT-BOLTSHAUSER SYNDROME; Familial aplasia of the vermis. Identifiers: Orphanet 475, MedGen C5979921, MONDO:0018772.
Meckel-Gruber syndrome. Also called: DYSENCEPHALIA SPLANCHNOCYSTICA; GRUBER SYNDROME; Dysencephalia splachnocystica. Identifiers: Orphanet 564, MedGen C0265215, MONDO:0018921.

Submission:

Labcorp Genetics (formerly Invitae), Labcorp
Classification: Pathogenic for Joubert syndrome; Meckel-Gruber syndrome. Last evaluated: 2023-06-09. Review status: criteria provided, single submitter. Criteria: Invitae Variant Classification Sherloc (09022015). Collection method: clinical testing. Allele origin: germline.
Comment: ClinVar contains an entry for this variant (Variation ID: 1377709). For these reasons, this variant has been classified as Pathogenic. This variant has not been reported in the literature in individuals affected with TMEM67-related conditions. This variant is not present in population databases (gnomAD no frequency). This sequence change creates a premature translational stop signal (p.Lys228Serfs*14) in the TMEM67 gene. It is expected to result in an absent or disrupted protein product. Loss-of-function variants in TMEM67 are known to be pathogenic (PMID: 20232449, 23559409).

Literature cited by the submitters: PubMed 20232449; PubMed 23559409.